The following is an entry in ClinVar:

NM_005228.5(EGFR):c.3209G>A (p.Ser1070Asn)

Gene: EGFR (epidermal growth factor receptor; plus strand). Cytogenetic location: 7p11.2.
Variant type: single nucleotide variant.
Coding change: c.3209G>A on transcript NM_005228.5 (MANE Select); coding-DNA position 3209, G replaced by A.
Protein change: p.Ser1070Asn; replaces serine 1070 with asparagine.
Molecular consequence: missense variant.
Genome position (GRCh38, 1-based): chr7:55,202,563, G>A. VCF-style: chr7-55202563-G-A. GRCh37 (hg19) VCF-style: chr7-55270256-G-A.
Other names: c.3209G>A (NM_005228.3); c.3074G>A, p.Ser1025Asn (NM_001346897.2, NM_001346899.2); c.3209G>A, p.Ser1070Asn (NM_001346898.2); c.3050G>A, p.Ser1017Asn (NM_001346900.2); c.2408G>A, p.Ser803Asn (NM_001346941.2); short protein forms S1017N, S1025N, S1070N, S803N.
Identifiers: ClinVar variation 1002794 (VCV001002794.8), dbSNP rs771471723, ClinGen allele CA4266321.

ClinVar aggregate classification (germline): Uncertain significance. Review status: criteria provided, multiple submitters, no conflicts (2 of 4 stars). 2 submissions from 2 submitters: Uncertain significance (2). Last evaluated 2025-01-03.

Conditions:
Hereditary cancer-predisposing syndrome. Also called: Hereditary neoplastic syndrome; Neoplastic Syndromes, Hereditary; Tumor predisposition; Hereditary Cancer Syndrome. Identifiers: Orphanet 140162, MedGen C0027672, MeSH D009386, MONDO:0015356.
EGFR-related lung cancer (EGFR). Identifiers: MedGen CN130014.

gnomAD v4.1: 1 of 1,613,328 alleles (0.000062%); highest among the groups gnomAD compares: Non-Finnish European, 0.000085%; no homozygotes.

Submissions (2):

Ambry Genetics
Classification: Uncertain significance for Hereditary cancer-predisposing syndrome. Last evaluated: 2025-01-03. Review status: criteria provided, single submitter. Criteria: Ambry Variant Classification Scheme 2023. Collection method: clinical testing. Allele origin: germline.
Comment: The p.S1070N variant (also known as c.3209G>A), located in coding exon 27 of the EGFR gene, results from a G to A substitution at nucleotide position 3209. The serine at codon 1070 is replaced by asparagine, an amino acid with highly similar properties. This amino acid position is well conserved in available vertebrate species. In addition, this alteration is predicted to be tolerated by in silico analysis. Based on the available evidence, the clinical significance of this variant remains unclear.

Labcorp Genetics (formerly Invitae), Labcorp
Classification: Uncertain significance for EGFR-related lung cancer. Last evaluated: 2024-09-05. Review status: criteria provided, single submitter. Criteria: Invitae Variant Classification Sherloc (09022015). Collection method: clinical testing. Allele origin: germline.
Comment: This sequence change replaces serine, which is neutral and polar, with asparagine, which is neutral and polar, at codon 1070 of the EGFR protein (p.Ser1070Asn). The frequency data for this variant in the population databases is considered unreliable, as metrics indicate poor data quality at this position in the gnomAD database. This variant has not been reported in the literature in individuals affected with EGFR-related conditions. ClinVar contains an entry for this variant (Variation ID: 1002794). An algorithm developed to predict the effect of missense changes on protein structure and function (PolyPhen-2) suggests that this variant¬†is likely to be tolerated. In summary, the available evidence is currently insufficient to determine the role of this variant in disease. Therefore, it has been classified as a Variant of Uncertain Significance.